The following is an entry in ClinVar:

ClinVar aggregate classification (germline): Conflicting classifications of pathogenicity. Review status: criteria provided, conflicting classifications (1 of 4 stars). 2 submissions from 2 submitters: Uncertain significance (1); Likely benign (1). Last evaluated 2026-06-04.

Conditions:
Autosomal recessive polycystic kidney disease (ARPKD). Also called: AR polycystic kidney disease. Identifiers: Orphanet 731, Orphanet 8378, MedGen C0085548, MeSH D017044, MONDO:0009889.
Polycystic kidney disease 4 (PKD4). Also called: PKD3; POLYCYSTIC KIDNEY DISEASE 4 WITH OR WITHOUT POLYCYSTIC LIVER DISEASE; POLYCYSTIC KIDNEY AND HEPATIC DISEASE 1; POLYCYSTIC KIDNEY DISEASE, INFANTILE, TYPE I; Autosomal Recessive Polycystic Kidney Disease – PKHD1. Identifiers: MedGen C4540575, MONDO:0033004, OMIM 263200.

Allele frequency attached by ClinVar (database versions not stated): TOPMed below 0.00001; gnomAD exomes 0.00002 and 0.00004; ExAC 0.00003.
gnomAD v4.1: 27 of 1,585,928 alleles (0.0017%); highest among the groups gnomAD compares: South Asian, 0.03%; no homozygotes.

Submissions (2):

Myriad Genetics, Inc.
Classification: Uncertain significance for Polycystic kidney disease 4. Last evaluated: 2026-06-04. Review status: criteria provided, single submitter. Criteria: Myriad Autosomal Dominant, Autosomal Recessive and X-Linked Classification Criteria (2023). Collection method: clinical testing. Allele origin: unknown.
Comment: NM_138694.3(PKHD1):c.53-5T>A is an intronic variant classified as a variant of uncertain significance in the context of autosomal recessive polycystic kidney disease, PKHD1-related. c.53-5T>A has not been observed in cases with relevant disease. Relevant functional assessments of this variant are not available in the literature. c.53-5T>A has been observed in referenced population frequency databases. In summary, there is insufficient evidence to classify NM_138694.3(PKHD1):c.53-5T>A as pathogenic or benign. Please note: this variant was assessed in the context of healthy population screening.

Labcorp Genetics (formerly Invitae), Labcorp
Classification: Likely benign for Autosomal recessive polycystic kidney disease. Last evaluated: 2023-12-03. Review status: criteria provided, single submitter. Criteria: Invitae Variant Classification Sherloc (09022015). Collection method: clinical testing. Allele origin: germline.

NM_138694.4(PKHD1):c.53-5T>A

Gene: PKHD1 (PKHD1 ciliary IPT domain containing fibrocystin/polyductin; minus strand). Cytogenetic location: 6p12.2.
Variant type: single nucleotide variant.
Coding change: c.53-5T>A on transcript NM_138694.4 (MANE Select); 5 bases into the intron before coding-DNA position 53, T replaced by A.
Molecular consequence: intron variant.
Genome position (GRCh38, 1-based): chr6:52,083,260, A>T on the plus strand (T>A on the coding strand, the complement: PKHD1 is on the minus strand). VCF-style: chr6-52083260-A-T. GRCh37 (hg19) VCF-style: chr6-51948058-A-T.
Other names: c.53-5T>A (NM_170724.3).
Identifiers: ClinVar variation 793997 (VCV000793997.12), dbSNP rs760842585, ClinGen allele CA3854052.
Genomic context (GRCh38, chr6:52,083,260, plus strand): 5'-CGTTCCCCCTGCAAGGCTACCTTCTTCAGGTTCAATATGTAAACTCAGGTGACGTACTGT[A>T]AGTAAGTGAAAAAAAACATTGGTTTTGAAGGTCAGATTCAAACCACTACCTTCTGCAATA-3'